The following is an entry in ClinVar:

ClinVar aggregate classification (germline): Uncertain significance. Review status: criteria provided, multiple submitters, no conflicts (2 of 4 stars). 2 submissions from 2 submitters: Uncertain significance (2). Last evaluated 2025-09-24.

Conditions:
Inborn genetic diseases. Identifiers: MedGen C0950123, MeSH D030342.

gnomAD v4.1: 12 of 1,613,728 alleles (0.00074%); highest among the groups gnomAD compares: Admixed American, 0.0033%; no homozygotes.

Submissions (2):

Labcorp Genetics (formerly Invitae), Labcorp
Classification: Uncertain significance. Last evaluated: 2025-09-24. Review status: criteria provided, single submitter. Criteria: Invitae Variant Classification Sherloc (09022015). Collection method: clinical testing. Allele origin: germline.
Comment: This sequence change replaces lysine, which is basic and polar, with asparagine, which is neutral and polar, at codon 568 of the COL4A4 protein (p.Lys568Asn). This variant is present in population databases (rs779659612, gnomAD 0.002%). This variant has not been reported in the literature in individuals affected with COL4A4-related conditions. ClinVar contains an entry for this variant (Variation ID: 4005395). Invitae Evidence Modeling of protein sequence and biophysical properties (such as structural, functional, and spatial information, amino acid conservation, physicochemical variation, residue mobility, and thermodynamic stability) has been performed for this missense variant. However, the output from this modeling did not meet the statistical confidence thresholds required to predict the impact of this variant on COL4A4 protein function. In summary, the available evidence is currently insufficient to determine the role of this variant in disease. Therefore, it has been classified as a Variant of Uncertain Significance.

Ambry Genetics
Classification: Uncertain significance for Inborn genetic diseases. Last evaluated: 2025-06-07. Review status: criteria provided, single submitter. Criteria: Ambry Variant Classification Scheme 2023. Collection method: clinical testing. Allele origin: germline.

NM_000092.5(COL4A4):c.1704A>C (p.Lys568Asn)

Gene: COL4A4 (collagen type IV alpha 4 chain; minus strand). Cytogenetic location: 2q36.3.
Variant type: single nucleotide variant.
Coding change: c.1704A>C on transcript NM_000092.5 (MANE Select); coding-DNA position 1704, A replaced by C.
Protein change: p.Lys568Asn; replaces lysine 568 with asparagine.
Molecular consequence: missense variant.
Genome position (GRCh38, 1-based): chr2:227,080,542, T>G on the plus strand (A>C on the coding strand, the complement: COL4A4 is on the minus strand). VCF-style: chr2-227080542-T-G. GRCh37 (hg19) VCF-style: chr2-227945258-T-G.
Other names: short protein forms K568N.
Identifiers: ClinVar variation 4005395 (VCV004005395.2).